The following is an entry in ClinVar:

ClinVar aggregate classification (germline): Uncertain significance. Review status: criteria provided, multiple submitters, no conflicts (2 of 4 stars). 2 submissions from 2 submitters: Uncertain significance (2). Last evaluated 2025-07-28.

Conditions:
Ectodermal dysplasia 10A, hypohidrotic/hair/nail type, autosomal dominant (ECTD10A). Also called: Ectodermal Dysplasia 3, Anhidrotic. Identifiers: Orphanet 1810, Orphanet 238468, MedGen C3888065, MONDO:0007509, OMIM 129490.
Autosomal recessive hypohidrotic ectodermal dysplasia syndrome. Also called: Autosomal recessive hypohidrotic ectodermal dysplasia. Identifiers: Orphanet 248, MedGen C0406702, MONDO:0016619.
EDAR-related disorder. Also called: EDAR-related condition.

Submissions (2):

Labcorp Genetics (formerly Invitae), Labcorp
Classification: Uncertain significance for Ectodermal dysplasia 10A, hypohidrotic/hair/nail type, autosomal dominant; Autosomal recessive hypohidrotic ectodermal dysplasia syndrome. Last evaluated: 2025-07-28. Review status: criteria provided, single submitter. Criteria: Invitae Variant Classification Sherloc (09022015). Collection method: clinical testing. Allele origin: germline.
Comment: This sequence change replaces proline, which is neutral and non-polar, with serine, which is neutral and polar, at codon 345 of the EDAR protein (p.Pro345Ser). This variant is not present in population databases (gnomAD no frequency). This variant has not been reported in the literature in individuals affected with EDAR-related conditions. Invitae Evidence Modeling of protein sequence and biophysical properties (such as structural, functional, and spatial information, amino acid conservation, physicochemical variation, residue mobility, and thermodynamic stability) indicates that this missense variant is expected to disrupt EDAR protein function with a positive predictive value of 80%. In summary, the available evidence is currently insufficient to determine the role of this variant in disease. Therefore, it has been classified as a Variant of Uncertain Significance.

3billion
Classification: Uncertain significance for EDAR-related disorder. Last evaluated: 2025-01-22. Review status: criteria provided, single submitter. Criteria: ACMG Guidelines, 2015. Collection method: clinical testing. Allele origin: germline. Affected: yes.
Comment: The variant is not observed in the gnomAD v4.1.0 dataset. Predicted Consequence/Location: Missense variant In silico tool predictions suggest damaging effect of the variant on gene or gene product [REVEL: 0.66 (>=0.6, sensitivity 0.68 and specificity 0.92); 3Cnet: 0.98 (>=0.6, sensitivity 0.72 and precision 0.9)]. Therefore, this variant is classified as VUS according to the recommendation of ACMG/AMP guideline.

NM_022336.4(EDAR):c.1033C>T (p.Pro345Ser)

Genes: EDAR (ectodysplasin A receptor; minus strand), RANBP2 (RAN binding protein 2; plus strand). Cytogenetic location: 2q13.
Variant type: single nucleotide variant.
Coding change: c.1033C>T on transcript NM_022336.4 (MANE Select); coding-DNA position 1033, C replaced by T.
Protein change: p.Pro345Ser; replaces proline 345 with serine.
Molecular consequence: missense variant.
Genome position (GRCh38, 1-based): chr2:108,897,221, G>A on the plus strand (C>T on the coding strand, the complement: EDAR is on the minus strand). VCF-style: chr2-108897221-G-A. GRCh37 (hg19) VCF-style: chr2-109513677-G-A.
Other names: short protein forms P345S.
Identifiers: ClinVar variation 4291936 (VCV004291936.2).